The following is an entry in ClinVar:

ClinVar aggregate classification (germline): Uncertain significance. Review status: criteria provided, multiple submitters, no conflicts (2 of 4 stars). 2 submissions from 2 submitters: Uncertain significance (2). Last evaluated 2025-06-09.

Conditions:
Hereditary pulmonary alveolar proteinosis. Also called: Pulmonary surfactant metabolism dysfunction. Identifiers: Orphanet 264675, MedGen C3711368, MONDO:0012580.

Allele frequency attached by ClinVar (database versions not stated): ExAC 0.00001; ESP Exome Variant Server 0.00008.
gnomAD v4.1: 18 of 1,606,590 alleles (0.0011%); highest among the groups gnomAD compares: African/African-American, 0.023%; no homozygotes.

Submissions (2):

Labcorp Genetics (formerly Invitae), Labcorp
Classification: Uncertain significance. Last evaluated: 2025-06-09. Review status: criteria provided, single submitter. Criteria: Invitae Variant Classification Sherloc (09022015). Collection method: clinical testing. Allele origin: germline.
Comment: This sequence change replaces proline, which is neutral and non-polar, with alanine, which is neutral and non-polar, at codon 138 of the ABCA3 protein (p.Pro138Ala). This variant is present in population databases (rs369686350, gnomAD 0.02%). This variant has not been reported in the literature in individuals affected with ABCA3-related conditions. ClinVar contains an entry for this variant (Variation ID: 1738070). Invitae Evidence Modeling of protein sequence and biophysical properties (such as structural, functional, and spatial information, amino acid conservation, physicochemical variation, residue mobility, and thermodynamic stability) indicates that this missense variant is not expected to disrupt ABCA3 protein function with a negative predictive value of 80%. In summary, the available evidence is currently insufficient to determine the role of this variant in disease. Therefore, it has been classified as a Variant of Uncertain Significance.

Ambry Genetics
Classification: Uncertain significance for Hereditary pulmonary alveolar proteinosis. Last evaluated: 2021-10-06. Review status: criteria provided, single submitter. Criteria: Ambry Variant Classification Scheme 2023. Collection method: clinical testing. Allele origin: germline.
Comment: The p.P138A variant (also known as c.412C>G), located in coding exon 3 of the ABCA3 gene, results from a C to G substitution at nucleotide position 412. The proline at codon 138 is replaced by alanine, an amino acid with highly similar properties. This amino acid position is poorly conserved in available vertebrate species. In addition, this alteration is predicted to be tolerated by in silico analysis. Since supporting evidence is limited at this time, the clinical significance of this alteration remains unclear.

NM_001089.3(ABCA3):c.412C>G (p.Pro138Ala)

Gene: ABCA3 (ATP binding cassette subfamily A member 3; minus strand). Cytogenetic location: 16p13.3.
Variant type: single nucleotide variant.
Coding change: c.412C>G on transcript NM_001089.3 (MANE Select); coding-DNA position 412, C replaced by G.
Protein change: p.Pro138Ala; replaces proline 138 with alanine.
Molecular consequence: missense variant.
Genome position (GRCh38, 1-based): chr16:2,324,439, G>C on the plus strand (C>G on the coding strand, the complement: ABCA3 is on the minus strand). VCF-style: chr16-2324439-G-C. GRCh37 (hg19) VCF-style: chr16-2374440-G-C.
Other names: short protein forms P138A.
Identifiers: ClinVar variation 1738070 (VCV001738070.3), dbSNP rs369686350, ClinGen allele CA7841676.
Genomic context (GRCh38, chr16:2,324,439, plus strand): 5'-TGCTCGGCCCGGCCGCACGTCTCACCGCCAGCGGCAGGGGCTCCTTGCTGTGGTTGAAGG[G>C]GTGCTCGAAGACCACGGCGGCCAGCACGCTGGACGAGCAGTTGTCGTACCTAATGTAGTC-3'
Protein context (NP_001080.2, residues 128-148): SVLAAVVFEH[Pro138Ala]FNHSKEPLPL